The following is an entry in ClinVar:

NM_000553.6(WRN):c.3627T>A (p.Ala1209=)

Gene: WRN (WRN RecQ like helicase; plus strand). Cytogenetic location: 8p12.
Variant type: single nucleotide variant.
Coding change: c.3627T>A on transcript NM_000553.6 (MANE Select); coding-DNA position 3627, T replaced by A.
Protein change: p.Ala1209=; no amino-acid change (alanine 1209 retained).
Molecular consequence: synonymous variant.
Genome position (GRCh38, 1-based): chr8:31,150,395, T>A. VCF-style: chr8-31150395-T-A. GRCh37 (hg19) VCF-style: chr8-31007911-T-A.
Identifiers: ClinVar variation 196668 (VCV000196668.16), dbSNP rs780963410, ClinGen allele CA243729.

ClinVar aggregate classification (germline): Benign/Likely benign. Review status: criteria provided, multiple submitters, no conflicts (2 of 4 stars). 4 submissions from 4 submitters: Benign (2); Likely benign (2). Last evaluated 2026-01-19.

Conditions:
WRN-related disorder. Also called: WRN-related condition.
Werner syndrome (WRN). Identifiers: Orphanet 902, MedGen C0043119, MONDO:0010196, OMIM 277700.

Allele frequency attached by ClinVar (database versions not stated): gnomAD 0.00004 and 0.00005; gnomAD exomes 0.00006 and 0.00032; TOPMed 0.00013; ExAC 0.00018.
gnomAD v4.1: 95 of 1,614,204 alleles (0.0059%); highest among the groups gnomAD compares: Admixed American, 0.16%; no homozygotes.

Submissions (4):

Labcorp Genetics (formerly Invitae), Labcorp
Classification: Benign for Werner syndrome. Last evaluated: 2026-01-19. Review status: criteria provided, single submitter. Criteria: Invitae Variant Classification Sherloc (09022015). Collection method: clinical testing. Allele origin: germline.

PreventionGenetics, part of Exact Sciences
Classification: Likely benign for WRN-related condition. Last evaluated: 2025-02-17. Review status: criteria provided, single submitter. Criteria: ACMG Guidelines, 2015. Collection method: clinical testing. Allele origin: germline.
Comment: This variant is classified as likely benign based on ACMG/AMP sequence variant interpretation guidelines (Richards et al. 2015 PMID: 25741868, with internal and published modifications).

Genome-Nilou Lab
Classification: Benign for Werner syndrome. Last evaluated: 2021-12-05. Review status: criteria provided, single submitter. Criteria: ACMG Guidelines, 2015. Collection method: clinical testing. Allele origin: germline. Affected: no.

Eurofins Ntd Llc (ga)
Classification: Likely benign. Last evaluated: 2016-11-07. Review status: criteria provided, single submitter. Criteria: EGL Classification Definitions 2015. Collection method: clinical testing. Allele origin: germline. Observed: 2 variant alleles, 2 heterozygotes.